The following is an entry in ClinVar:

ClinVar aggregate classification (germline): Likely benign. Review status: criteria provided, multiple submitters, no conflicts (2 of 4 stars). 3 submissions from 3 submitters: Likely benign (2). 1 of the submissions does not count toward it. Last evaluated 2025-07-02.

Conditions:
Inborn genetic diseases. Identifiers: MedGen C0950123, MeSH D030342.
Fanconi anemia (FA). Also called: Fanconi's anemia. Identifiers: Orphanet 84, MedGen C0015625, MeSH D005199, MONDO:0019391.
FANCA-related disorder. Also called: FANCA-related condition.

Allele frequency attached by ClinVar (database versions not stated): TOPMed below 0.00001; gnomAD 0.00001; ExAC 0.00002.
gnomAD v4.1: 16 of 1,611,806 alleles (0.00099%); highest among the groups gnomAD compares: Admixed American, 0.0067%; no homozygotes.

Submissions (3):

Labcorp Genetics (formerly Invitae), Labcorp
Classification: Likely benign for Fanconi anemia. Last evaluated: 2025-07-02. Review status: criteria provided, single submitter. Criteria: Invitae Variant Classification Sherloc (09022015). Collection method: clinical testing. Allele origin: germline.

Ambry Genetics
Classification: Likely benign for Inborn genetic diseases. Last evaluated: 2024-11-18. Review status: criteria provided, single submitter. Criteria: Ambry Variant Classification Scheme 2023. Collection method: clinical testing. Allele origin: germline.

PreventionGenetics, part of Exact Sciences
Classification: Likely benign for FANCA-related condition. Last evaluated: 2023-03-29. Review status: no assertion criteria provided. Collection method: clinical testing. Allele origin: germline. Not counted in ClinVar's aggregate classification.
Comment: This variant is classified as likely benign based on ACMG/AMP sequence variant interpretation guidelines (Richards et al. 2015 PMID: 25741868, with internal and published modifications).

NM_000135.4(FANCA):c.3768A>G (p.Leu1256=)

Genes: FANCA (FA complementation group A; minus strand), ZNF276 (zinc finger protein 276; plus strand). Cytogenetic location: 16q24.3.
Variant type: single nucleotide variant.
Coding change: c.3768A>G on transcript NM_000135.4 (MANE Select); coding-DNA position 3768, A replaced by G.
Protein change: p.Leu1256=; no amino-acid change (leucine 1256 retained).
Molecular consequence: synonymous variant. On other transcripts: 3 prime UTR variant (2), non-coding transcript variant (4).
Genome position (GRCh38, 1-based): chr16:89,740,864, T>C on the plus strand (A>G on the coding strand, the complement: FANCA is on the minus strand). VCF-style: chr16-89740864-T-C. GRCh37 (hg19) VCF-style: chr16-89807272-T-C.
Other names: c.3768A>G, p.Leu1256= (NM_001286167.3); c.*2618T>C (NM_001113525.2, NM_152287.4).
Identifiers: ClinVar variation 1129180 (VCV001129180.12), dbSNP rs747616573, ClinGen allele CA8250965.